The following is an entry in ClinVar:

NM_001042750.2(STAG2):c.288G>C (p.Gln96His)

Gene: STAG2 (STAG2 cohesin complex component; plus strand). Cytogenetic location: Xq25.
Variant type: single nucleotide variant.
Coding change: c.288G>C on transcript NM_001042750.2 (MANE Select); coding-DNA position 288, G replaced by C.
Protein change: p.Gln96His; replaces glutamine 96 with histidine.
Molecular consequence: missense variant.
Genome position (GRCh38, 1-based): chrX:124,031,125, G>C. VCF-style: chrX-124031125-G-C. GRCh37 (hg19) VCF-style: chrX-123164975-G-C.
Other names: c.288G>C, p.Gln96His (NM_001042749.2, NM_001042751.2, NM_001282418.2 and 13 more transcripts); short protein forms Q96H.
Identifiers: ClinVar variation 3347974 (VCV003347974.1).

ClinVar aggregate classification (germline): Uncertain significance (0 of 4 stars; one submission).

Conditions:
STAG2-related disorder. Also called: STAG2-Related Disorders.

Submission:

PreventionGenetics, part of Exact Sciences
Classification: Uncertain significance for STAG2-related condition. Last evaluated: 2024-03-11. Review status: no assertion criteria provided. Collection method: clinical testing. Allele origin: germline.
Comment: The STAG2 c.288G>C variant is predicted to result in the amino acid substitution p.Gln96His. This variant is located at the last nucleotide of the exon and is predicted to weaken the donor splice site and may result in aberrant splicing (Alamut Visual Plus v1.6.1). To our knowledge, this variant has not been reported in the literature or in a large population database, indicating this variant is rare. At this time, the clinical significance of this variant is uncertain due to the absence of conclusive functional and genetic evidence.